The following is an entry in ClinVar:

NM_000552.5(VWF):c.7282G>A (p.Asp2428Asn)

Gene: VWF (von Willebrand factor; minus strand). Cytogenetic location: 12p13.31.
Variant type: single nucleotide variant.
Coding change: c.7282G>A on transcript NM_000552.5 (MANE Select); coding-DNA position 7282, G replaced by A.
Protein change: p.Asp2428Asn; replaces aspartic acid 2428 with asparagine.
Molecular consequence: missense variant.
Genome position (GRCh38, 1-based): chr12:5,981,791, C>T on the plus strand (G>A on the coding strand, the complement: VWF is on the minus strand). VCF-style: chr12-5981791-C-T. GRCh37 (hg19) VCF-style: chr12-6090957-C-T.
Other names: c.7282G>A (NM_000552.4); short protein forms D2428N.
Identifiers: ClinVar variation 3189457 (VCV003189457.3), dbSNP rs754363583, ClinGen allele CA6401726.

ClinVar aggregate classification (germline): Uncertain significance. Review status: criteria provided, multiple submitters, no conflicts (2 of 4 stars). 3 submissions from 3 submitters: Uncertain significance (3). Last evaluated 2026-01-27.

Conditions:
Inborn genetic diseases. Identifiers: MedGen C0950123, MeSH D030342.

Allele frequency attached by ClinVar (database versions not stated): ExAC 0.00001; gnomAD 0.00001; gnomAD exomes 0.00001; TOPMed 0.00002.
gnomAD v4.1: 13 of 1,613,934 alleles (0.00081%); highest among the groups gnomAD compares: African/African-American, 0.0027%; no homozygotes.

Submissions (3):

Women's Health and Genetics/Laboratory Corporation of America, LabCorp
Classification: Uncertain significance. Last evaluated: 2026-01-27. Review status: criteria provided, single submitter. Criteria: LabCorp Variant Classification Summary - May 2015. Collection method: clinical testing. Allele origin: germline.
Comment: Variant summary: VWF c.7282G>A (p.Asp2428Asn) results in a conservative amino acid change in the encoded protein sequence. Algorithms developed to predict the effect of missense changes on protein structure and function are either unavailable or do not agree on the potential impact of this missense change. The variant allele was found at a frequency of 1.2e-05 in 251376 control chromosomes. The available data on variant occurrences in the general population are insufficient to allow any conclusion about variant significance. To our knowledge, no occurrence of c.7282G>A in individuals affected with VWF-related conditions and no experimental evidence demonstrating its impact on protein function have been reported. ClinVar contains an entry for this variant (Variation ID: 3189457). Based on the evidence outlined above, the variant was classified as uncertain significance.

Ambry Genetics
Classification: Uncertain significance for Inborn genetic diseases. Last evaluated: 2023-12-19. Review status: criteria provided, single submitter. Criteria: Ambry Variant Classification Scheme 2023. Collection method: clinical testing. Allele origin: germline.

Revvity Omics, Revvity
Classification: Uncertain significance. Last evaluated: 2023-08-30. Review status: criteria provided, single submitter. Criteria: ACMG Guidelines, 2015. Collection method: clinical testing. Allele origin: germline.